The following is an entry in ClinVar:

NM_000414.4(HSD17B4):c.1675A>G (p.Ile559Val)

Gene: HSD17B4 (hydroxysteroid 17-beta dehydrogenase 4; plus strand). Cytogenetic location: 5q23.1.
Variant type: single nucleotide variant.
Coding change: c.1675A>G on transcript NM_000414.4 (MANE Select); coding-DNA position 1675, A replaced by G.
Protein change: p.Ile559Val; replaces isoleucine 559 with valine.
Molecular consequence: missense variant. On other transcripts: non-coding transcript variant (2).
Genome position (GRCh38, 1-based): chr5:119,526,018, A>G. VCF-style: chr5-119526018-A-G. GRCh37 (hg19) VCF-style: chr5-118861713-A-G.
Other names: c.1750A>G, p.Ile584Val (NM_001199291.3); c.1621A>G, p.Ile541Val (NM_001199292.2); c.1603A>G, p.Ile535Val (NM_001292027.2, NM_001374498.1); c.1255A>G, p.Ile419Val (NM_001292028.2); c.1666A>G, p.Ile556Val (NM_001374497.1); c.1348A>G, p.Ile450Val (NM_001374499.1); c.1234A>G, p.Ile412Val (NM_001374500.1); c.1264A>G, p.Ile422Val (NM_001374501.1, NM_001374502.1, NM_001374503.1); short protein forms I559V, I584V, I419V, I535V, I541V, I422V, I412V, I450V.
Identifiers: ClinVar variation 226667 (VCV000226667.39), dbSNP rs11205, ClinGen allele CA3382348.
Genomic context (GRCh38, chr5:119,526,018, plus strand): 5'-TTTTCTGCCAGGCGTGTGTTACAGCAGTTTGCAGATAATGATGTGTCAAGATTCAAGGCA[A>G]TTAAGGTAAATGTGTATTACTACGTAATTTGAATATTACTTCCTTTTTCTATCTTTAGAG-3'
Protein context (NP_000405.1, residues 549-569): ADNDVSRFKA[Ile559Val]KARFAKPVYP

ClinVar aggregate classification (germline): Benign. Review status: criteria provided, multiple submitters, no conflicts (2 of 4 stars). 13 submissions from 11 submitters: Benign (11). 2 of the submissions do not count toward it. Last evaluated 2026-02-04.

Conditions:
Bifunctional peroxisomal enzyme deficiency (DBIF). Also called: PBFE DEFICIENCY; D-bifunctional protein deficiency; DBP DEFICIENCY. Identifiers: Orphanet 300, MedGen C0342870, MONDO:0009855, OMIM 261515. Disease mechanism: loss of function.
Perrault syndrome. Also called: Gonadal dysgenesis with auditory dysfunction, autosomal recessive inheritance. Identifiers: Orphanet 2855, MedGen C0685838, MONDO:0017312.
Perrault syndrome 1 (PRLTS1). Also called: GONADAL DYSGENESIS, XX TYPE, WITH DEAFNESS; OVARIAN DYSGENESIS WITH SENSORINEURAL DEAFNESS. Identifiers: Orphanet 2855, Orphanet 642945, MedGen C4551721, MONDO:0009300, OMIM 233400.

Allele frequency attached by ClinVar (database versions not stated): ESP Exome Variant Server 0.40441; gnomAD 0.40811 and 0.41131; gnomAD exomes 0.41841; 1000 Genomes Project 0.40016; 1000 Genomes Project 30x 0.40303; TOPMed 0.41094; ExAC 0.41099.
gnomAD v4.1: 619,705 of 1,540,756 alleles (40%); highest among the groups gnomAD compares: Admixed American, 50%; 126,774 homozygotes.

Submissions (13):

Labcorp Genetics (formerly Invitae), Labcorp
Classification: Benign for Perrault syndrome; Bifunctional peroxisomal enzyme deficiency. Last evaluated: 2026-02-04. Review status: criteria provided, single submitter. Criteria: Invitae Variant Classification Sherloc (09022015). Collection method: clinical testing. Allele origin: germline.

ARUP Laboratories, Molecular Genetics and Genomics, ARUP Laboratories
Classification: Benign. Last evaluated: 2025-06-12. Review status: criteria provided, single submitter. Criteria: ARUP Molecular Germline Variant Investigation Process 2024. Collection method: clinical testing. Allele origin: germline.

Genome-Nilou Lab
Classification: Benign for Bifunctional peroxisomal enzyme deficiency. Last evaluated: 2021-07-10. Review status: criteria provided, single submitter. Criteria: ACMG Guidelines, 2015. Collection method: clinical testing. Allele origin: germline. Affected: no.

Genome-Nilou Lab
Classification: Benign for Perrault syndrome 1. Last evaluated: 2021-07-10. Review status: criteria provided, single submitter. Criteria: ACMG Guidelines, 2015. Collection method: clinical testing. Allele origin: germline. Affected: no.

Mendelics
Classification: Benign for Bifunctional peroxisomal enzyme deficiency. Last evaluated: 2019-05-28. Review status: criteria provided, single submitter. Criteria: Mendelics Assertion Criteria 2017. Collection method: clinical testing. Allele origin: unknown.

Illumina Laboratory Services, Illumina
Classification: Benign for Perrault syndrome 1. Last evaluated: 2018-01-13. Review status: criteria provided, single submitter. Criteria: ICSL Variant Classification Criteria 13 December 2019. Collection method: clinical testing. Allele origin: germline.
Comment: This variant was observed in the ICSL laboratory as part of a predisposition screen in an ostensibly healthy population. It had not been previously curated by ICSL or reported in the Human Gene Mutation Database (HGMD: prior to June 1st, 2018), and was therefore a candidate for classification through an automated scoring system. Utilizing variant allele frequency, disease prevalence and penetrance estimates, and inheritance mode, an automated score was calculated to assess if this variant is too frequent to cause the disease. Based on the score and internal cut-off values, a variant classified as benign is not then subjected to further curation. The score for this variant resulted in a classification of benign for this disease.

Illumina Laboratory Services, Illumina
Classification: Benign for Bifunctional peroxisomal enzyme deficiency. Last evaluated: 2018-01-13. Review status: criteria provided, single submitter. Criteria: ICSL Variant Classification Criteria 13 December 2019. Collection method: clinical testing. Allele origin: germline.
Comment: the same text as in the submission from Illumina Laboratory Services, Illumina above.

Eurofins Ntd Llc (ga)
Classification: Benign. Last evaluated: 2017-08-08. Review status: criteria provided, single submitter. Criteria: EGL Classification Definitions 2015. Collection method: clinical testing. Allele origin: germline. Observed: 2 variant alleles, 1 heterozygote, 1 homozygote.

GeneDx
Classification: Benign. Last evaluated: 2017-05-09. Review status: criteria provided, single submitter. Criteria: GeneDx Variant Classification (06012015). Collection method: clinical testing. Allele origin: germline. Affected: yes.
Comment: This variant is considered likely benign or benign based on one or more of the following criteria: it is a conservative change, it occurs at a poorly conserved position in the protein, it is predicted to be benign by multiple in silico algorithms, and/or has population frequency not consistent with disease.

Laboratory for Molecular Medicine, Mass General Brigham Personalized Medicine
Classification: Benign. Last evaluated: 2014-11-24. Review status: criteria provided, single submitter. Criteria: LMM Criteria. Collection method: clinical testing. Allele origin: germline. Observed: 672 variant alleles.
Comment: Ile584Val in exon 20 of HSD17B4: This variant is not expected to have clinical s ignificance because it has been identified in 40.9% (3518/8600) of European Amer ican chromosomes from a broad population by the NHLBI Exome Sequencing Project (dbSNP rs11205).

PreventionGenetics, part of Exact Sciences
Classification: Benign. Review status: criteria provided, single submitter. Criteria: ACMG Guidelines, 2015. Collection method: clinical testing. Allele origin: germline.

Natera, Inc.
Classification: Benign for Bifunctional peroxisomal enzyme deficiency. Last evaluated: 2020-09-16. Review status: no assertion criteria provided. Collection method: clinical testing. Allele origin: germline. Not counted in ClinVar's aggregate classification.

Mayo Clinic Laboratories, Mayo Clinic
Classification: Benign. Last evaluated: 2015-10-23. Review status: no assertion criteria provided. Collection method: clinical testing. Allele origin: unknown. Not counted in ClinVar's aggregate classification.